The following is an entry in ClinVar:

NM_001164508.2(NEB):c.9367C>T (p.Gln3123Ter)

Gene: NEB (nebulin; minus strand). Cytogenetic location: 2q23.3.
Variant type: single nucleotide variant.
Coding change: c.9367C>T on transcript NM_001164508.2 (MANE Select); coding-DNA position 9367, C replaced by T.
Protein change: p.Gln3123Ter; replaces glutamine 3123 with a stop codon.
Molecular consequence: nonsense. On other transcripts: intron variant (1).
Genome position (GRCh38, 1-based): chr2:151,633,701, G>A on the plus strand (C>T on the coding strand, the complement: NEB is on the minus strand). VCF-style: chr2-151633701-G-A. GRCh37 (hg19) VCF-style: chr2-152490215-G-A.
Other names: c.9367C>T, p.Gln3123Ter (NM_001164507.2, NM_001271208.2); c.8854-2523C>T (NM_004543.5); short protein forms Q3123*.
Identifiers: ClinVar variation 4814799 (VCV004814799.1).

ClinVar aggregate classification (germline): Likely pathogenic (1 of 4 stars; one submission).

Conditions:
Nemaline myopathy 2 (NEM2). Also called: Nemaline myopathy 2, autosomal recessive. Identifiers: MedGen C1850569, MONDO:0009725, OMIM 256030.

Submission:

Natera, Inc.
Classification: Likely pathogenic for Nemaline myopathy type 2. Last evaluated: 2024-03-04. Review status: criteria provided, single submitter. Criteria: Natera Variant Classification Schema (03/2026). Collection method: clinical testing. Allele origin: germline.
Comment: The c.9367C>T variant in NEB is a nonsense variant predicted to introduce a stop codon at amino acid 3123. This variant is expected to result in nonsense mediated decay, truncation, or a dysfunctional protein product. This variant is rare in the general population with a frequency below the threshold expected for the associated phenotype(s). Given the available evidence, this variant is classified as Likely Pathogenic.